The following is an entry in ClinVar:

NM_001142864.4(PIEZO1):c.4426C>G (p.Gln1476Glu)

Gene: PIEZO1 (piezo type mechanosensitive ion channel component 1 (Er blood group); minus strand). Cytogenetic location: 16q24.3.
Variant type: single nucleotide variant.
Coding change: c.4426C>G on transcript NM_001142864.4 (MANE Select); coding-DNA position 4426, C replaced by G.
Protein change: p.Gln1476Glu; replaces glutamine 1476 with glutamic acid.
Molecular consequence: missense variant.
Genome position (GRCh38, 1-based): chr16:88,723,238, G>C on the plus strand (C>G on the coding strand, the complement: PIEZO1 is on the minus strand). VCF-style: chr16-88723238-G-C. GRCh37 (hg19) VCF-style: chr16-88789646-G-C.
Other names: c.2968C>G, p.Gln990Glu (NM_014745.1); short protein forms Q990E, Q1476E.
Identifiers: ClinVar variation 3001179 (VCV003001179.3), dbSNP rs1300994588, ClinGen allele CA397097297.
Genomic context (GRCh38, chr16:88,723,238, plus strand): 5'-TGGCAGTCCCGCGGCTTCCCCTCAGAGTCCCCACGCCCCCCAGCTCACCTGTGGGTAGCT[G>C]TCCTGCCTGTTCCTGCCTTGCCTGCTCCTGCTCCTGCTGCCGCCGCCTCAGCACCGCCTG-3'
Protein context (NP_001136336.2, residues 1466-1486): QEQARQEQAG[Gln1476Glu]LPTGGGPSQE

ClinVar aggregate classification (germline): Uncertain significance (1 of 4 stars; one submission).

Allele frequency attached by ClinVar (database versions not stated): gnomAD 0.00001; TOPMed 0.00001.
gnomAD v4.1: 3 of 1,546,668 alleles (0.00019%); highest among the groups gnomAD compares: Non-Finnish European, 0.00026%; no homozygotes.

Submission:

Labcorp Genetics (formerly Invitae), Labcorp
Classification: Uncertain significance. Last evaluated: 2024-01-01. Review status: criteria provided, single submitter. Criteria: Invitae Variant Classification Sherloc (09022015). Collection method: clinical testing. Allele origin: germline.
Comment: This sequence change replaces glutamine, which is neutral and polar, with glutamic acid, which is acidic and polar, at codon 1476 of the PIEZO1 protein (p.Gln1476Glu). This variant is not present in population databases (gnomAD no frequency). This variant has not been reported in the literature in individuals affected with PIEZO1-related conditions. Advanced modeling of protein sequence and biophysical properties (such as structural, functional, and spatial information, amino acid conservation, physicochemical variation, residue mobility, and thermodynamic stability) performed at Invitae indicates that this missense variant is not expected to disrupt PIEZO1 protein function with a negative predictive value of 80%. In summary, the available evidence is currently insufficient to determine the role of this variant in disease. Therefore, it has been classified as a Variant of Uncertain Significance.